The following is an entry in ClinVar:

ClinVar aggregate classification (germline): Benign/Likely benign. Review status: criteria provided, multiple submitters, no conflicts (2 of 4 stars). 4 submissions from 4 submitters: Benign (1); Likely benign (3). Last evaluated 2025-05-13.

Conditions:
Tuberous sclerosis syndrome (TSC). Also called: Tuberous Sclerosis Complex; Tuberous sclerosis. Identifiers: Orphanet 805, MedGen C0041341, MONDO:0001734.
Tuberous sclerosis 2 (TSC2). Identifiers: Orphanet 805, MedGen C1860707, MONDO:0013199, OMIM 613254.
Hereditary cancer-predisposing syndrome. Also called: Neoplastic Syndromes, Hereditary; Hereditary neoplastic syndrome; Hereditary Cancer Syndrome; Tumor predisposition. Identifiers: Orphanet 140162, MedGen C0027672, MeSH D009386, MONDO:0015356.

gnomAD v4.1: 1 of 1,613,766 alleles (0.000062%); highest among the groups gnomAD compares: African/African-American, 0.0013%; no homozygotes.

Submissions (4):

Myriad Genetics, Inc.
Classification: Benign for Tuberous sclerosis 2. Last evaluated: 2025-05-13. Review status: criteria provided, single submitter. Criteria: Myriad Autosomal Dominant, Autosomal Recessive and X-Linked Classification Criteria (2023). Collection method: clinical testing. Allele origin: unknown.
Comment: This variant is considered benign. This variant is a silent/synonymous amino acid change and it is not expected to impact splicing.

Labcorp Genetics (formerly Invitae), Labcorp
Classification: Likely benign for Tuberous sclerosis 2. Last evaluated: 2024-09-10. Review status: criteria provided, single submitter. Criteria: Invitae Variant Classification Sherloc (09022015). Collection method: clinical testing. Allele origin: germline.

Ambry Genetics
Classification: Likely benign for Hereditary cancer-predisposing syndrome. Last evaluated: 2024-06-21. Review status: criteria provided, single submitter. Criteria: Ambry Variant Classification Scheme 2023. Collection method: clinical testing. Allele origin: germline.

All of Us Research Program, National Institutes of Health
Classification: Likely benign for Tuberous sclerosis syndrome. Last evaluated: 2023-04-10. Review status: criteria provided, single submitter. Criteria: ACMG Guidelines, 2015. Collection method: clinical testing. Allele origin: germline. Inheritance: Autosomal dominant inheritance. Observed: 1 variant allele, 1 heterozygote.
Comment: This study involves interpretation of variants in research participants for the purpose of population health screening. Participant phenotype was not available at the time of variant classification. Additional details can be found in publication PMID: 35346344, PMCID: PMC8962531

NM_000548.5(TSC2):c.1086G>A (p.Leu362=)

Gene: TSC2 (TSC complex subunit 2; plus strand). Cytogenetic location: 16p13.3.
Variant type: single nucleotide variant.
Coding change: c.1086G>A on transcript NM_000548.5 (MANE Select); coding-DNA position 1086, G replaced by A.
Protein change: p.Leu362=; no amino-acid change (leucine 362 retained).
Molecular consequence: synonymous variant.
Genome position (GRCh38, 1-based): chr16:2,060,780, G>A. VCF-style: chr16-2060780-G-A. GRCh37 (hg19) VCF-style: chr16-2110781-G-A.
Other names: c.1086G>A (NM_000548.3); c.1086G>A, p.Leu362= (NM_001077183.3, NM_001114382.3, NM_001363528.2 and 3 more transcripts); c.975G>A, p.Leu325= (NM_001318827.2); c.939G>A, p.Leu313= (NM_001318829.2); c.486G>A, p.Leu162= (NM_001318831.2); c.1119G>A, p.Leu373= (NM_001318832.2).
Identifiers: ClinVar variation 1103173 (VCV001103173.12), dbSNP rs1416323572, ClinGen allele CA492961071.